The following is an entry in ClinVar:

NM_198904.4(GABRG2):c.530G>A (p.Arg177Gln)

Gene: GABRG2 (gamma-aminobutyric acid type A receptor subunit gamma2; plus strand). Cytogenetic location: 5q34.
Variant type: single nucleotide variant.
Coding change: c.530G>A on transcript NM_198904.4 (MANE Select); coding-DNA position 530, G replaced by A.
Protein change: p.Arg177Gln; replaces arginine 177 with glutamine.
Molecular consequence: missense variant.
Genome position (GRCh38, 1-based): chr5:162,097,840, G>A. VCF-style: chr5-162097840-G-A. GRCh37 (hg19) VCF-style: chr5-161524846-G-A.
Other names: c.530G>A, p.Arg177Gln (NM_000816.3, NM_001375340.1, NM_001375341.1 and 4 more transcripts); c.521G>A, p.Arg174Gln (NM_001375339.1); c.464G>A, p.Arg155Gln (NM_001375345.1, NM_001375346.1); c.443G>A, p.Arg148Gln (NM_001375347.1); c.110G>A, p.Arg37Gln (NM_001375348.1, NM_001375350.1); c.245G>A, p.Arg82Gln (NM_001375349.1); short protein forms R177Q, R148Q, R155Q, R174Q, R37Q, R82Q.
Identifiers: ClinVar variation 570636 (VCV000570636.14), dbSNP rs1445637165, ClinGen allele CA362184435.
Genomic context (GRCh38, chr5:162,097,840, plus strand): 5'-AAGCTGATGCACACTGGATCACCACCCCCAACAGGATGCTGAGAATTTGGAATGATGGTC[G>A]AGTGCTCTACACCCTAAGGTATTCTTTTGCAAAAGGAAAGGAGTAATTGTTAGGAAGAAA-3'
Protein context (NP_944494.1, residues 167-187): NRMLRIWNDG[Arg177Gln]VLYTLRLTID

ClinVar aggregate classification (germline): Conflicting classifications of pathogenicity. Review status: criteria provided, conflicting classifications (1 of 4 stars). 3 submissions from 3 submitters: Likely pathogenic (1); Uncertain significance (2). Last evaluated 2026-07-29.

Conditions:
EPILEPSY, CHILDHOOD ABSENCE, SUSCEPTIBILITY TO, 2 (ECA2). Identifiers: Orphanet 64280, MedGen C1843244, OMIM 607681.
Febrile seizures, familial, 8 (FEB8). Also called: CONVULSIONS, FAMILIAL FEBRILE, 8. Identifiers: Orphanet 36387, MedGen C1969810, MONDO:0011891, OMIM 607681.

Allele frequency attached by ClinVar (database versions not stated): gnomAD 0.00001; gnomAD exomes 0.00001.

Submissions (3):

GeneDx
Classification: Uncertain significance. Last evaluated: 2026-07-29. Review status: criteria provided, single submitter. Criteria: GeneDx Variant Classification Process June 2021. Collection method: clinical testing. Allele origin: germline.
Comment: Not observed at significant frequency in large population cohorts (gnomAD); In silico analysis suggests that this missense variant does not alter protein structure/function; Has not been previously published as pathogenic or benign to our knowledge; This variant is associated with the following publications: (PMID: 30190672)

Labcorp Genetics (formerly Invitae), Labcorp
Classification: Likely pathogenic for Febrile seizures, familial, 8; EPILEPSY, CHILDHOOD ABSENCE, SUSCEPTIBILITY TO, 2. Last evaluated: 2025-09-08. Review status: criteria provided, single submitter. Criteria: Invitae Variant Classification Sherloc (09022015). Collection method: clinical testing. Allele origin: germline.
Comment: This sequence change replaces arginine, which is basic and polar, with glutamine, which is neutral and polar, at codon 177 of the GABRG2 protein (p.Arg177Gln). This variant is present in population databases (no rsID available, gnomAD 0.002%). This missense change has been observed in individuals with clinical features of GABRG2-related conditions (internal data). ClinVar contains an entry for this variant (Variation ID: 570636). Invitae Evidence Modeling of protein sequence and biophysical properties (such as structural, functional, and spatial information, amino acid conservation, physicochemical variation, residue mobility, and thermodynamic stability) has been performed for this missense variant. However, the output from this modeling did not meet the statistical confidence thresholds required to predict the impact of this variant on GABRG2 protein function. This variant disrupts the p.Arg177 amino acid residue in GABRG2. Other variant(s) that disrupt this residue have been determined to be pathogenic (PMID: 16924025, 24874541). This suggests that this residue is clinically significant, and that variants that disrupt this residue are likely to be disease-causing. In summary, the currently available evidence indicates that the variant is pathogenic, but additional data are needed to prove that conclusively. Therefore, this variant has been classified as Likely Pathogenic.

Illumina Laboratory Services, Illumina
Classification: Uncertain significance for Febrile seizures, familial, 8. Last evaluated: 2018-01-13. Review status: criteria provided, single submitter. Criteria: ICSL Variant Classification Criteria 13 December 2019. Collection method: clinical testing. Allele origin: germline.

Literature cited by the submitters: PubMed 16924025 (cited by Labcorp Genetics (formerly Invitae), Labcorp); PubMed 24874541 (cited by Labcorp Genetics (formerly Invitae), Labcorp).